The following is an entry in ClinVar:

ClinVar aggregate classification (germline): Conflicting classifications of pathogenicity. Review status: criteria provided, conflicting classifications (1 of 4 stars). 5 submissions from 5 submitters: Likely pathogenic (4); Uncertain significance (1). Last evaluated 2024-02-23.

Conditions:
PKHD1-related disorder. Also called: PKHD1-related condition.
Polycystic kidney disease 4 (PKD4). Also called: PKD3; Autosomal Recessive Polycystic Kidney Disease – PKHD1; POLYCYSTIC KIDNEY AND HEPATIC DISEASE 1; POLYCYSTIC KIDNEY DISEASE, INFANTILE, TYPE I; POLYCYSTIC KIDNEY DISEASE 4 WITH OR WITHOUT POLYCYSTIC LIVER DISEASE. Identifiers: MedGen C4540575, MONDO:0033004, OMIM 263200.
Autosomal recessive polycystic kidney disease (ARPKD). Also called: AR polycystic kidney disease. Identifiers: Orphanet 731, Orphanet 8378, MedGen C0085548, MeSH D017044, MONDO:0009889.

Submissions (5):

Fulgent Genetics
Classification: Likely pathogenic for Polycystic kidney disease 4. Last evaluated: 2024-02-23. Review status: criteria provided, single submitter. Criteria: ACMG Guidelines, 2015. Collection method: clinical testing. Allele origin: germline.

Institute of Medical Genetics and Applied Genomics, University Hospital Tübingen
Classification: Likely pathogenic. Last evaluated: 2020-10-23. Review status: criteria provided, single submitter. Criteria: ACMG Guidelines, 2015. Collection method: clinical testing. Allele origin: germline. Inheritance: Autosomal recessive inheritance. Affected: yes.

Labcorp Genetics (formerly Invitae), Labcorp
Classification: Uncertain significance for Autosomal recessive polycystic kidney disease. Last evaluated: 2018-08-09. Review status: criteria provided, single submitter. Criteria: Invitae Variant Classification Sherloc (09022015). Collection method: clinical testing. Allele origin: germline.
Comment: This sequence change replaces phenylalanine with leucine at codon 372 of the PKHD1 protein (p.Phe372Leu). The phenylalanine residue is highly conserved and there is a small physicochemical difference between phenylalanine and leucine. This variant is not present in population databases (ExAC no frequency). This variant has been observed as homozygous in an individual with autosomal recessive polycystic kidney disease (PMID:Â¬â€ 15698423, 16677362). Algorithms developed to predict the effect of missense changes on protein structure and function are either unavailable or do not agree on the potential impact of this missense change (SIFT: "Deleterious"; PolyPhen-2: "Probably Damaging"; Align-GVGD: "Class C0"). In summary, the available evidence is currently insufficient to determine the role of this variant in disease. Therefore, it has been classified as a Variant of Uncertain Significance.

Blueprint Genetics
Classification: Likely pathogenic for PKHD1-related disorders. Last evaluated: 2018-06-05. Review status: criteria provided, single submitter. Criteria: ACMG Guidelines, 2015. Collection method: clinical testing. Allele origin: germline. Affected: yes. Observed: 1 variant allele.

Intergen Genetics and Rare Diseases Diagnosis Center
Classification: Likely pathogenic for Polycystic kidney disease 4. Review status: criteria provided, single submitter. Criteria: ACMG Guidelines, 2015. Collection method: clinical testing. Allele origin: unknown. Inheritance: Autosomal recessive inheritance. Affected: yes. Observed: 1 homozygote.
Comment: The NM_138694.4(PKHD1):​c.1116C>G​(p.Phe372Leu) variant causes a missense, splice region change and likely results in an absent or disrupted protein product.

Literature cited by the submitters: PubMed 34688127 (cited by Intergen Genetics and Rare Diseases Diagnosis Center).

NM_138694.4(PKHD1):c.1116C>G (p.Phe372Leu)

Gene: PKHD1 (PKHD1 ciliary IPT domain containing fibrocystin/polyductin; minus strand). Cytogenetic location: 6p12.2.
Variant type: single nucleotide variant.
Coding change: c.1116C>G on transcript NM_138694.4 (MANE Select); coding-DNA position 1116, C replaced by G.
Protein change: p.Phe372Leu; replaces phenylalanine 372 with leucine.
Molecular consequence: missense variant.
Genome position (GRCh38, 1-based): chr6:52,062,521, G>C on the plus strand (C>G on the coding strand, the complement: PKHD1 is on the minus strand). VCF-style: chr6-52062521-G-C. GRCh37 (hg19) VCF-style: chr6-51927319-G-C.
Other names: c.1116C>G, p.Phe372Leu (NM_170724.3); short protein forms F372L.
Identifiers: ClinVar variation 636670 (VCV000636670.6), dbSNP rs1582038191, ClinGen allele CA364428295.